The following is an entry in ClinVar:

ClinVar aggregate classification (germline): Pathogenic (1 of 4 stars; one submission).

Submission:

Labcorp Genetics (formerly Invitae), Labcorp
Classification: Pathogenic. Last evaluated: 2023-01-07. Review status: criteria provided, single submitter. Criteria: Invitae Variant Classification Sherloc (09022015). Collection method: clinical testing. Allele origin: germline.
Comment: For these reasons, this variant has been classified as Pathogenic. This variant is also known as c.4903ins5. This premature translational stop signal has been observed in individual(s) with clinical features of ABCA3-related conditions (PMID: 22337229, 23625987). This variant is not present in population databases (gnomAD no frequency). This sequence change creates a premature translational stop signal (p.Phe1635*) in the ABCA3 gene. It is expected to result in an absent or disrupted protein product. Loss-of-function variants in ABCA3 are known to be pathogenic (PMID: 27516224).

Literature cited by the submitters: PubMed 22337229; PubMed 23625987; PubMed 27516224.

NM_001089.3(ABCA3):c.4899_4903dup (p.Phe1635Ter)

Gene: ABCA3 (ATP binding cassette subfamily A member 3; minus strand). Cytogenetic location: 16p13.3.
Variant type: Microsatellite.
Coding change: c.4899_4903dup on transcript NM_001089.3 (MANE Select); coding-DNA positions 4899 to 4903, 5 bases duplicated (GACCT; older notation c.4899_4903dupGACCT).
Protein change: p.Phe1635Ter; replaces phenylalanine 1635 with a stop codon.
Molecular consequence: nonsense.
Genome position (GRCh38, 1-based): chr16:2,277,885-2,277,889, AGGTC duplicated on the plus strand (GACCT on the coding strand, the reverse complement: ABCA3 is on the minus strand); duplicating any 5 consecutive bases within chr16:2,277,885-2,277,894 gives the same sequence; the c. name uses the placement nearest the transcript's 3' end. VCF-style (leftmost placement, unchanged base first): chr16-2277884-A-AAGGTC. GRCh37 (hg19) VCF-style: chr16-2327885-A-AAGGTC.
Other names: short protein forms F1635*.
Identifiers: ClinVar variation 2736306 (VCV002736306.3), dbSNP rs2505611427, ClinGen allele CA493360560.